The following is an entry in ClinVar:

NM_002769.5(PRSS1):c.559G>A (p.Gly187Ser)

Genes: TRB (T cell receptor beta locus; plus strand), PRSS1 (serine protease 1; plus strand). Cytogenetic location: 7q34.
Variant type: single nucleotide variant.
Coding change: c.559G>A on transcript NM_002769.5 (MANE Select); coding-DNA position 559, G replaced by A.
Protein change: p.Gly187Ser; replaces glycine 187 with serine.
Molecular consequence: missense variant. On other transcripts: non-coding transcript variant (5).
Genome position (GRCh38, 1-based): chr7:142,752,535, G>A. VCF-style: chr7-142752535-G-A. GRCh37 (hg19) VCF-style: chr7-142460386-G-A.
Other names: short protein forms G187S.
Identifiers: ClinVar variation 1748531 (VCV001748531.2), dbSNP rs1798833649, ClinGen allele CA369610378.

ClinVar aggregate classification (germline): Uncertain significance (1 of 4 stars; one submission).

Conditions:
Hereditary pancreatitis (PCTT). Also called: Hereditary chronic pancreatitis; PRSS1-Related Hereditary Pancreatitis. Identifiers: Orphanet 676, MedGen C0238339, MONDO:0008185, OMIM 167800.

Submission:

Ambry Genetics
Classification: Uncertain significance for Hereditary pancreatitis. Last evaluated: 2014-09-16. Review status: criteria provided, single submitter. Criteria: Ambry Variant Classification Scheme 2023. Collection method: clinical testing. Allele origin: germline.
Comment: The p.G187S variant (also known as c.559G>A), located in coding exon 4 of the PRSS1 gene, results from a G to A substitution at nucleotide position 559. The glycine at codon 187 is replaced by serine, an amino acid with some similar properties. This variant was not reported in population based cohorts in the following databases: Database of Single Nucleotide Polymorphisms (dbSNP), NHLBI Exome Sequencing Project (ESP), and 1000 Genomes Project. In the ESP, this variant was not observed in 6,503 samples (13,006 alleles) with coverage at this position. This amino acid position is highly conserved in available vertebrate species. In addition, this alteration is predicted to be deleterious by in silico analysis. Since supporting evidence is limited at this time, the clinical significance of this variant remains unclear.